The following is an entry in ClinVar:

ClinVar aggregate classification (germline): Uncertain significance (1 of 4 stars; one submission).

Conditions:
Progressive sclerosing poliodystrophy (MTDPS4A). Also called: Mitochondrial DNA depletion syndrome 4A (Alpers type); ALPERS PROGRESSIVE INFANTILE POLIODYSTROPHY; NEURONAL DEGENERATION OF CHILDHOOD WITH LIVER DISEASE, PROGRESSIVE; Mitochondrial DNA Depletion Syndrome 4A; Alpers-Huttenlocher Syndrome (AHS); Alpers Syndrome. Identifiers: Orphanet 726, MedGen C0205710, MONDO:0008758, OMIM 203700.

Allele frequency attached by ClinVar (database versions not stated): gnomAD exomes below 0.00001; TOPMed 0.00001.
gnomAD v4.1: 1 of 1,590,058 alleles (0.000063%); highest among the groups gnomAD compares: Non-Finnish European, 0.000085%; no homozygotes.

Submission:

Labcorp Genetics (formerly Invitae), Labcorp
Classification: Uncertain significance for Progressive sclerosing poliodystrophy. Last evaluated: 2025-05-25. Review status: criteria provided, single submitter. Criteria: Invitae Variant Classification Sherloc (09022015). Collection method: clinical testing. Allele origin: germline.
Comment: This sequence change replaces glycine, which is neutral and non-polar, with glutamic acid, which is acidic and polar, at codon 38 of the POLG protein (p.Gly38Glu). This variant is not present in population databases (gnomAD no frequency). This variant has not been reported in the literature in individuals affected with POLG-related conditions. ClinVar contains an entry for this variant (Variation ID: 1491471). Invitae Evidence Modeling of protein sequence and biophysical properties (such as structural, functional, and spatial information, amino acid conservation, physicochemical variation, residue mobility, and thermodynamic stability) indicates that this missense variant is not expected to disrupt POLG protein function with a negative predictive value of 95%. In summary, the available evidence is currently insufficient to determine the role of this variant in disease. Therefore, it has been classified as a Variant of Uncertain Significance.

NM_002693.3(POLG):c.113G>A (p.Gly38Glu)

Genes: POLG (DNA polymerase gamma, catalytic subunit; minus strand), POLGARF (POLG alternative reading frame; minus strand). Cytogenetic location: 15q26.1.
Variant type: single nucleotide variant.
Coding change: c.113G>A on transcript NM_002693.3 (MANE Select); coding-DNA position 113, G replaced by A.
Protein change: p.Gly38Glu; replaces glycine 38 with glutamic acid.
Molecular consequence: missense variant.
Genome position (GRCh38, 1-based): chr15:89,333,642, C>T on the plus strand (G>A on the coding strand, the complement: POLG is on the minus strand). VCF-style: chr15-89333642-C-T. GRCh37 (hg19) VCF-style: chr15-89876873-C-T.
Other names: c.113G>A, p.Gly38Glu (NM_001126131.2); short protein forms G38E.
Identifiers: ClinVar variation 1491471 (VCV001491471.8), dbSNP rs1403540142, ClinGen allele CA393774695.